The following is an entry in ClinVar:

NM_016239.4(MYO15A):c.9808dup (p.Ser3270fs)

Gene: MYO15A (myosin XVA; plus strand). Cytogenetic location: 17p11.2.
Variant type: Duplication.
Coding change: c.9808dup on transcript NM_016239.4 (MANE Select); coding-DNA position 9808, one base duplicated (A; older notation c.9808dupA).
Protein change: p.Ser3270fs; shifts the reading frame from serine 3270.
Molecular consequence: frameshift variant.
Genome position (GRCh38, 1-based): chr17:18,166,381, A duplicated. VCF-style (leftmost placement, unchanged base first): chr17-18166380-C-CA. GRCh37 (hg19) VCF-style: chr17-18069694-C-CA.
Other names: short protein forms S3270fs.
Identifiers: ClinVar variation 3601433 (VCV003601433.1).
Genomic context (GRCh38, chr17:18,166,380, plus strand): 5'-ACACATGCCCCCACCCAGCCCTGCCTCCCTGCTCTCTGCAGGCCAGCATGTGTGCCCACT[C>CA]AGTCGCCGTGCTTACATCCTGGATGTGGCCTCAGAGATGGAGCAGGTGGACGGCGGCTAC-3'

ClinVar aggregate classification (germline): Likely pathogenic (1 of 4 stars; one submission).

Conditions:
Autosomal recessive nonsyndromic hearing loss 3. Also called: NEUROSENSORY NONSYNDROMIC RECESSIVE DEAFNESS 3. Identifiers: Orphanet 90636, MedGen C1838263, MONDO:0010860, OMIM 600316.

Submission:

Institute of Rare Diseases, West China Hospital, Sichuan University
Classification: Likely pathogenic for Autosomal recessive nonsyndromic hearing loss 3. Last evaluated: 2025-01-09. Review status: criteria provided, single submitter. Criteria: ClinGen HL ACMG Specifications v1. Collection method: research. Allele origin: germline. Affected: yes.
Comment: PVS1;PM2_Supporting